The following is an entry in ClinVar:

NM_002732.4(PRKACG):c.125A>T (p.Asp42Val)

Gene: PRKACG (protein kinase cAMP-activated catalytic subunit gamma; minus strand). Cytogenetic location: 9q21.11.
Variant type: single nucleotide variant.
Coding change: c.125A>T on transcript NM_002732.4 (MANE Select); coding-DNA position 125, A replaced by T.
Protein change: p.Asp42Val; replaces aspartic acid 42 with valine.
Molecular consequence: missense variant.
Genome position (GRCh38, 1-based): chr9:69,013,968, T>A on the plus strand (A>T on the coding strand, the complement: PRKACG is on the minus strand). VCF-style: chr9-69013968-T-A. GRCh37 (hg19) VCF-style: chr9-71628884-T-A.
Other names: p.Asp42Val; short protein forms D42V.
Identifiers: ClinVar variation 4541446 (VCV004541446.1).

ClinVar aggregate classification (germline): Uncertain significance (1 of 4 stars; one submission).

Submission:

Mayo Clinic Laboratories, Mayo Clinic
Classification: Uncertain significance. Last evaluated: 2025-05-05. Review status: criteria provided, single submitter. Criteria: ACMG Guidelines, 2015. Collection method: clinical testing. Allele origin: germline. Observed: 1 variant allele.
Comment: BP4_moderate